The following is an entry in ClinVar:

ClinVar aggregate classification (germline): Likely benign. Review status: criteria provided, multiple submitters, no conflicts (2 of 4 stars). 2 submissions from 2 submitters: Likely benign (2). Last evaluated 2026-08-01.

Conditions:
Dilated cardiomyopathy 1G (CMD1G). Identifiers: Orphanet 154, MedGen C1858763, MONDO:0011400, OMIM 604145.
Autosomal recessive limb-girdle muscular dystrophy type 2J (LGMDR10). Also called: Limb-girdle muscular dystrophy, type 2J; MUSCULAR DYSTROPHY, LIMB-GIRDLE, AUTOSOMAL RECESSIVE 10. Identifiers: Orphanet 140922, MedGen C1837342, MONDO:0012127, OMIM 608807.

Submissions (2):

CeGaT Center for Human Genetics Tuebingen
Classification: Likely benign. Last evaluated: 2026-08-01. Review status: criteria provided, single submitter. Criteria: CeGaT Center For Human Genetics Tuebingen Variant Classification Criteria Version 2. Collection method: clinical testing. Allele origin: germline. Affected: yes. Observed: 1 variant allele.
Comment: TTN: PM2:Supporting, BP4, BP7

Labcorp Genetics (formerly Invitae), Labcorp
Classification: Likely benign for Dilated cardiomyopathy 1G; Autosomal recessive limb-girdle muscular dystrophy type 2J. Last evaluated: 2024-07-21. Review status: criteria provided, single submitter. Criteria: Invitae Variant Classification Sherloc (09022015). Collection method: clinical testing. Allele origin: germline.

NM_001267550.2(TTN):c.63294A>C (p.Gly21098=)

Genes: TTN (titin; minus strand), TTN-AS1 (TTN antisense RNA 1; plus strand). Cytogenetic location: 2q31.2.
Variant type: single nucleotide variant.
Coding change: c.63294A>C on transcript NM_001267550.2 (MANE Select); coding-DNA position 63294, A replaced by C.
Protein change: p.Gly21098=; no amino-acid change (glycine 21098 retained).
Molecular consequence: synonymous variant.
Genome position (GRCh38, 1-based): chr2:178,588,113, T>G on the plus strand (A>C on the coding strand, the complement: TTN is on the minus strand). VCF-style: chr2-178588113-T-G. GRCh37 (hg19) VCF-style: chr2-179452840-T-G.
Other names: c.58371A>C, p.Gly19457= (NM_001256850.1); c.36099A>C, p.Gly12033= (NM_003319.4); c.55590A>C, p.Gly18530= (NM_133378.4); c.36474A>C, p.Gly12158= (NM_133432.3); c.36675A>C, p.Gly12225= (NM_133437.4).
Identifiers: ClinVar variation 1672793 (VCV001672793.9), dbSNP rs2154182736, ClinGen allele CA430091810.